The following is an entry in ClinVar:

ClinVar aggregate classification (germline): Uncertain significance (1 of 4 stars; one submission).

gnomAD v4.1: 1 of 1,614,194 alleles (0.000062%); highest among the groups gnomAD compares: Non-Finnish European, 0.000085%; no homozygotes.

Submission:

Ambry Genetics
Classification: Uncertain significance. Last evaluated: 2024-06-19. Review status: criteria provided, single submitter. Criteria: Ambry Variant Classification Scheme 2023. Collection method: clinical testing. Allele origin: germline.
Comment: The p.I1647T variant (also known as c.4940T>C), located in coding exon 43 of the KIF1B gene, results from a T to C substitution at nucleotide position 4940. The isoleucine at codon 1647 is replaced by threonine, an amino acid with similar properties. This amino acid position is conserved. In addition, this alteration is predicted to be deleterious by in silico analysis. Based on the available evidence, the clinical significance of this variant remains unclear.

NM_001365951.3(KIF1B):c.5078T>C (p.Ile1693Thr)

Gene: KIF1B (kinesin family member 1B; plus strand). Cytogenetic location: 1p36.22.
Variant type: single nucleotide variant.
Coding change: c.5078T>C on transcript NM_001365951.3 (MANE Select); coding-DNA position 5078, T replaced by C.
Protein change: p.Ile1693Thr; replaces isoleucine 1693 with threonine.
Molecular consequence: missense variant.
Genome position (GRCh38, 1-based): chr1:10,374,447, T>C. VCF-style: chr1-10374447-T-C. GRCh37 (hg19) VCF-style: chr1-10434505-T-C.
Other names: c.5078T>C, p.Ile1693Thr (NM_001365952.1); c.4940T>C, p.Ile1647Thr (NM_015074.3); short protein forms I1647T, I1693T.
Identifiers: ClinVar variation 3288383 (VCV003288383.1).